The following is an entry in ClinVar:

ClinVar aggregate classification (germline): Likely benign. Review status: criteria provided, single submitter (1 of 4 stars). 2 submissions from 2 submitters: Likely benign (1). 1 of the submissions does not count toward it. Last evaluated 2025-04-07.

Conditions:
RAI1-related disorder. Also called: RAI1-related condition.

Allele frequency attached by ClinVar (database versions not stated): gnomAD exomes 0.00001 and 0.00002; TOPMed 0.00001; ExAC 0.00002; gnomAD 0.00002 and 0.00003; 1000 Genomes Project 30x 0.00031; 1000 Genomes Project 0.00040.
gnomAD v4.1: 25 of 1,611,956 alleles (0.0016%); highest among the groups gnomAD compares: African/African-American, 0.0053%; no homozygotes.

Submissions (2):

Labcorp Genetics (formerly Invitae), Labcorp
Classification: Likely benign. Last evaluated: 2025-04-07. Review status: criteria provided, single submitter. Criteria: Invitae Variant Classification Sherloc (09022015). Collection method: clinical testing. Allele origin: germline.

PreventionGenetics, part of Exact Sciences
Classification: Likely benign for RAI1-related condition. Last evaluated: 2023-12-14. Review status: no assertion criteria provided. Collection method: clinical testing. Allele origin: germline. Not counted in ClinVar's aggregate classification.
Comment: This variant is classified as likely benign based on ACMG/AMP sequence variant interpretation guidelines (Richards et al. 2015 PMID: 25741868, with internal and published modifications).

NM_030665.4(RAI1):c.1530G>A (p.Ala510=)

Gene: RAI1 (retinoic acid induced 1; plus strand). Cytogenetic location: 17p11.2.
Variant type: single nucleotide variant.
Coding change: c.1530G>A on transcript NM_030665.4 (MANE Select); coding-DNA position 1530, G replaced by A.
Protein change: p.Ala510=; no amino-acid change (alanine 510 retained).
Molecular consequence: synonymous variant.
Genome position (GRCh38, 1-based): chr17:17,794,478, G>A. VCF-style: chr17-17794478-G-A. GRCh37 (hg19) VCF-style: chr17-17697792-G-A.
Other names: c.1530G>A (NM_030665.3).
Identifiers: ClinVar variation 1357864 (VCV001357864.7), dbSNP rs557416720, ClinGen allele CA8418352.